The following is an entry in ClinVar:

ClinVar aggregate classification (germline): Pathogenic/Likely pathogenic. Review status: criteria provided, multiple submitters, no conflicts (2 of 4 stars). 2 submissions from 2 submitters: Pathogenic (1); Likely pathogenic (1). Last evaluated 2025-10-20.

Conditions:
Autosomal recessive LRP5-related disorders.

Allele frequency attached by ClinVar (database versions not stated): TOPMed below 0.00001.

Submissions (2):

Variantyx, Inc.
Classification: Likely pathogenic for Autosomal recessive LRP5-related disorders. Last evaluated: 2025-10-20. Review status: criteria provided, single submitter. Criteria: Variantyx Assertion Criteria 2022. Collection method: clinical testing. Allele origin: germline. Inheritance: Autosomal dominant inheritance. Affected: no.
Comment: This is a frameshift variant in the LRP5 gene (OMIM: 603506). Pathogenic variants in this gene have been associated with autosomal dominant and autosomal recessive LRP5-related disorders. This variant introduces a premature termination codon in exon 12 out of 23 and is expected to result in loss of function, which is a known disease mechanism for LRP5 in these disorders (PMID: 11719191, 25711638) (PVS1). This variant is absent from control populations (PM2). Based on the current evidence, this variant is classified as likely pathogenic for autosomal recessive LRP5-related disorders. Carriers of heterozygous variants in the LRP5 gene have been reported to show reduced bone mass without other phenotypic features (PMID: 15824851).

Labcorp Genetics (formerly Invitae), Labcorp
Classification: Pathogenic. Last evaluated: 2022-11-08. Review status: criteria provided, single submitter. Criteria: Invitae Variant Classification Sherloc (09022015). Collection method: clinical testing. Allele origin: germline.
Comment: For these reasons, this variant has been classified as Pathogenic. This variant has not been reported in the literature in individuals affected with LRP5-related conditions. This variant is not present in population databases (gnomAD no frequency). This sequence change creates a premature translational stop signal (p.Asp891Glufs*15) in the LRP5 gene. It is expected to result in an absent or disrupted protein product. Loss-of-function variants in LRP5 are known to be pathogenic (PMID: 11719191, 16252235, 25711638).

Literature cited by the submitters: PubMed 11719191 (cited by Variantyx, Inc. and Labcorp Genetics (formerly Invitae), Labcorp); PubMed 25711638 (cited by Variantyx, Inc. and Labcorp Genetics (formerly Invitae), Labcorp); PubMed 16252235 (cited by Labcorp Genetics (formerly Invitae), Labcorp).

NM_002335.4(LRP5):c.2672dup (p.Asp891fs)

Gene: LRP5 (LDL receptor related protein 5; plus strand). Cytogenetic location: 11q13.2.
Variant type: Duplication.
Coding change: c.2672dup on transcript NM_002335.4 (MANE Select); coding-DNA position 2672, one base duplicated (A; older notation c.2672dupA).
Protein change: p.Asp891fs; shifts the reading frame from aspartic acid 891.
Molecular consequence: frameshift variant.
Genome position (GRCh38, 1-based): chr11:68,413,857, A duplicated. VCF-style (leftmost placement, unchanged base first): chr11-68413856-G-GA. GRCh37 (hg19) VCF-style: chr11-68181324-G-GA.
Other names: c.929dup, p.Asp310fs (NM_001291902.2); short protein forms D310fs, D891fs.
Identifiers: ClinVar variation 2013976 (VCV002013976.4), dbSNP rs2098660984, ClinGen allele CA1980598118.